The following is an entry in ClinVar:

NM_022132.5(MCCC2):c.467C>T (p.Ala156Val)

Gene: MCCC2 (methylcrotonyl-CoA carboxylase subunit 2; plus strand). Cytogenetic location: 5q13.2.
Variant type: single nucleotide variant.
Coding change: c.467C>T on transcript NM_022132.5 (MANE Select); coding-DNA position 467, C replaced by T.
Protein change: p.Ala156Val; replaces alanine 156 with valine.
Molecular consequence: missense variant.
Genome position (GRCh38, 1-based): chr5:71,602,589, C>T. VCF-style: chr5-71602589-C-T. GRCh37 (hg19) VCF-style: chr5-70898416-C-T.
Other names: c.467C>T, p.Ala156Val (NM_001363147.1); short protein forms A156V.
Identifiers: ClinVar variation 1960666 (VCV001960666.6), dbSNP rs2530733729, ClinGen allele CA360010813.

ClinVar aggregate classification (germline): Conflicting classifications of pathogenicity. Review status: criteria provided, conflicting classifications (1 of 4 stars). 2 submissions from 2 submitters: Likely pathogenic (1); Uncertain significance (1). Last evaluated 2025-08-22.

Conditions:
3-methylcrotonyl-CoA carboxylase 2 deficiency. Also called: METHYLCROTONYLGLYCINURIA, TYPE II; 3 alpha methylcrotonyl-CoA carboxylase 2 deficiency; 3 alpha methylcrotonylglycinuria 2; MCC 2 deficiency; Methylcrotonylglycinuria type 2. Identifiers: Orphanet 6, MedGen C1859499, MONDO:0008862, OMIM 210210.

Submissions (2):

Myriad Genetics, Inc.
Classification: Uncertain significance for 3-methylcrotonyl-CoA carboxylase 2 deficiency. Last evaluated: 2025-08-22. Review status: criteria provided, single submitter. Criteria: Myriad Autosomal Dominant, Autosomal Recessive and X-Linked Classification Criteria (2023). Collection method: clinical testing. Allele origin: unknown.
Comment: NM_022132.4(MCCC2):c.467C>T(A156V) is a missense variant classified as a variant of uncertain significance in the context of 3-methylcrotonyl-CoA carboxylase deficiency, MCCC2-related. A156V has not been observed in cases with relevant disease. Relevant functional assessments of this variant are not available in the literature. A156V has not been observed in referenced population frequency databases. In summary, there is insufficient evidence to classify NM_022132.4(MCCC2):c.467C>T(A156V) as pathogenic or benign. Please note: this variant was assessed in the context of healthy population screening.

Labcorp Genetics (formerly Invitae), Labcorp
Classification: Likely pathogenic for 3-methylcrotonyl-CoA carboxylase 2 deficiency. Last evaluated: 2022-08-25. Review status: criteria provided, single submitter. Criteria: Invitae Variant Classification Sherloc (09022015). Collection method: clinical testing. Allele origin: germline.
Comment: Advanced modeling of protein sequence and biophysical properties (such as structural, functional, and spatial information, amino acid conservation, physicochemical variation, residue mobility, and thermodynamic stability) performed at Invitae indicates that this missense variant is expected to disrupt MCCC2 protein function. In summary, the currently available evidence indicates that the variant is pathogenic, but additional data are needed to prove that conclusively. Therefore, this variant has been classified as Likely Pathogenic. This missense change has been observed in individual(s) with 3-methylcrotonyl-CoA carboxylase deficiency (Invitae). In at least one individual the data is consistent with being in trans (on the opposite chromosome) from a pathogenic variant. This variant is not present in population databases (gnomAD no frequency). This sequence change replaces alanine, which is neutral and non-polar, with valine, which is neutral and non-polar, at codon 156 of the MCCC2 protein (p.Ala156Val).